The following is an entry in ClinVar:

ClinVar aggregate classification (germline): Uncertain significance (1 of 4 stars; one submission).

Conditions:
Charcot-Marie-Tooth disease type 4. Also called: Charcot-Marie-Tooth disease, type IV; Charcot-Marie-Tooth, Type 4. Identifiers: Orphanet 64749, MedGen C4082197, MONDO:0018995.

Allele frequency attached by ClinVar (database versions not stated): gnomAD exomes below 0.00001.
gnomAD v4.1: 3 of 1,580,972 alleles (0.00019%); highest among the groups gnomAD compares: Middle Eastern, 0.017%; no homozygotes.

Submission:

Labcorp Genetics (formerly Invitae), Labcorp
Classification: Uncertain significance for Charcot-Marie-Tooth disease type 4. Last evaluated: 2021-08-14. Review status: criteria provided, single submitter. Criteria: Invitae Variant Classification Sherloc (09022015). Collection method: clinical testing. Allele origin: germline.
Comment: This sequence change replaces aspartic acid with asparagine at codon 53 of the FIG4 protein (p.Asp53Asn). The aspartic acid residue is moderately conserved and there is a small physicochemical difference between aspartic acid and asparagine. This variant is not present in population databases (ExAC no frequency). This variant has not been reported in the literature in individuals with FIG4-related disease. Algorithms developed to predict the effect of missense changes on protein structure and function do not agree on the potential impact of this missense change (SIFT: "Deleterious"; PolyPhen-2: "Probably Damaging"; Align-GVGD: "Class C0"). In summary, the available evidence is currently insufficient to determine the role of this variant in disease. Therefore, it has been classified as a Variant of Uncertain Significance.

NM_014845.6(FIG4):c.157G>A (p.Asp53Asn)

Gene: FIG4 (FIG4 phosphoinositide 5-phosphatase; plus strand). Cytogenetic location: 6q21.
Variant type: single nucleotide variant.
Coding change: c.157G>A on transcript NM_014845.6 (MANE Select); coding-DNA position 157, G replaced by A.
Protein change: p.Asp53Asn; replaces aspartic acid 53 with asparagine.
Molecular consequence: missense variant.
Genome position (GRCh38, 1-based): chr6:109,715,168, G>A. VCF-style: chr6-109715168-G-A. GRCh37 (hg19) VCF-style: chr6-110036371-G-A.
Other names: short protein forms D53N.
Identifiers: ClinVar variation 1426827 (VCV001426827.8), dbSNP rs121908290, ClinGen allele CA365211655.